The following is an entry in ClinVar:

ClinVar aggregate classification (germline): Uncertain significance. Review status: criteria provided, multiple submitters, no conflicts (2 of 4 stars). 2 submissions from 2 submitters: Uncertain significance (2). Last evaluated 2022-09-17.

Conditions:
Inborn genetic diseases. Identifiers: MedGen C0950123, MeSH D030342.

Allele frequency attached by ClinVar (database versions not stated): gnomAD 0.00001; TOPMed 0.00001; ExAC 0.00002; gnomAD exomes 0.00002.
gnomAD v4.1: 24 of 1,613,790 alleles (0.0015%); highest among the groups gnomAD compares: Admixed American, 0.005%; no homozygotes.

Submissions (2):

Labcorp Genetics (formerly Invitae), Labcorp
Classification: Uncertain significance. Last evaluated: 2022-09-17. Review status: criteria provided, single submitter. Criteria: Invitae Variant Classification Sherloc (09022015). Collection method: clinical testing. Allele origin: germline.
Comment: In summary, the available evidence is currently insufficient to determine the role of this variant in disease. Therefore, it has been classified as a Variant of Uncertain Significance. Advanced modeling of protein sequence and biophysical properties (such as structural, functional, and spatial information, amino acid conservation, physicochemical variation, residue mobility, and thermodynamic stability) performed at Invitae indicates that this missense variant is not expected to disrupt C7 protein function. This variant has not been reported in the literature in individuals affected with C7-related conditions. This variant is present in population databases (rs779561040, gnomAD 0.009%). This sequence change replaces isoleucine, which is neutral and non-polar, with methionine, which is neutral and non-polar, at codon 640 of the C7 protein (p.Ile640Met).

Ambry Genetics
Classification: Uncertain significance for Inborn genetic diseases. Last evaluated: 2021-08-02. Review status: criteria provided, single submitter. Criteria: Ambry Variant Classification Scheme 2023. Collection method: clinical testing. Allele origin: germline.

NM_000587.4(C7):c.1920A>G (p.Ile640Met)

Gene: C7 (complement C7; plus strand). Cytogenetic location: 5p13.1.
Variant type: single nucleotide variant.
Coding change: c.1920A>G on transcript NM_000587.4 (MANE Select); coding-DNA position 1920, A replaced by G.
Protein change: p.Ile640Met; replaces isoleucine 640 with methionine.
Molecular consequence: missense variant.
Genome position (GRCh38, 1-based): chr5:40,972,440, A>G. VCF-style: chr5-40972440-A-G. GRCh37 (hg19) VCF-style: chr5-40972542-A-G.
Other names: short protein forms I640M.
Identifiers: ClinVar variation 2063519 (VCV002063519.3), dbSNP rs779561040, ClinGen allele CA3250152.